The following is an entry in ClinVar:

ClinVar aggregate classification (germline): Uncertain significance (1 of 4 stars; one submission).

Conditions:
Charcot-Marie-Tooth disease type 2. Also called: Charcot-Marie-Tooth type 2. Identifiers: Orphanet 64746, MedGen C0270914, MONDO:0018993.

Allele frequency attached by ClinVar (database versions not stated): gnomAD exomes below 0.00001; TOPMed below 0.00001.

Submission:

Labcorp Genetics (formerly Invitae), Labcorp
Classification: Uncertain significance for Charcot-Marie-Tooth disease type 2. Last evaluated: 2024-07-30. Review status: criteria provided, single submitter. Criteria: Invitae Variant Classification Sherloc (09022015). Collection method: clinical testing. Allele origin: germline.
Comment: This sequence change falls in intron 5 of the GARS gene. It does not directly change the encoded amino acid sequence of the GARS protein. It affects a nucleotide within the consensus splice site. This variant is not present in population databases (gnomAD no frequency). This variant has not been reported in the literature in individuals affected with GARS-related conditions. ClinVar contains an entry for this variant (Variation ID: 1680909). Variants that disrupt the consensus splice site are a relatively common cause of aberrant splicing (PMID: 17576681, 9536098). Algorithms developed to predict the effect of sequence changes on RNA splicing suggest that this variant may disrupt the consensus splice site. In summary, the available evidence is currently insufficient to determine the role of this variant in disease. Therefore, it has been classified as a Variant of Uncertain Significance.

Literature cited by the submitters: PubMed 17576681; PubMed 9536098.

NM_002047.4(GARS1):c.659-3del

Gene: GARS1 (glycyl-tRNA synthetase 1; plus strand). Cytogenetic location: 7p14.3.
Variant type: Deletion.
Coding change: c.659-3del on transcript NM_002047.4 (MANE Select); 3 bases into the intron before coding-DNA position 659, one base deleted (C; older notation c.659-3delC).
Molecular consequence: intron variant.
Genome position (GRCh38, 1-based): chr7:30,603,493, C deleted. VCF-style (leftmost placement, unchanged base first): chr7-30603492-AC-A. GRCh37 (hg19) VCF-style: chr7-30643108-AC-A.
Other names: c.497-3del (NM_001316772.1).
Identifiers: ClinVar variation 1680909 (VCV001680909.6), dbSNP rs1791421299, ClinGen allele CA1697799764.
Genomic context (GRCh38, chr7:30,603,492, plus strand): 5'-TGAAACTGAAAAGTGCATTGTCCTTTTTCCCATTGATTGATATATGTCAACACTGTTCTT[AC>A]AGCTCATTTACAGAAATTGATGTCTGATAAGAAGTGTTCTGTCGAAAAGAAATCAGAAAT-3'